The following is an entry in ClinVar:

ClinVar aggregate classification (germline): Likely benign. Review status: criteria provided, single submitter (1 of 4 stars). 2 submissions from 2 submitters: Likely benign (1). 1 of the submissions does not count toward it. Last evaluated 2024-11-20.

Conditions:
CDK9-related disorder. Also called: CDK9-related condition.

Allele frequency attached by ClinVar (database versions not stated): 1000 Genomes Project 0.00200; 1000 Genomes Project 30x 0.00219; TOPMed 0.00237; ESP Exome Variant Server 0.00269; gnomAD 0.00295; ExAC 0.00358; gnomAD exomes 0.00486.
gnomAD v4.1: 7,209 of 1,554,136 alleles (0.46%); highest among the groups gnomAD compares: Non-Finnish European, 0.56%; 14 homozygotes.

Submissions (2):

Blueprint Genetics
Classification: Likely benign. Last evaluated: 2024-11-20. Review status: criteria provided, single submitter. Criteria: ACMG Guidelines, 2015. Collection method: clinical testing. Allele origin: germline.

PreventionGenetics, part of Exact Sciences
Classification: Likely benign for CDK9-related condition. Last evaluated: 2024-02-01. Review status: no assertion criteria provided. Collection method: clinical testing. Allele origin: germline. Not counted in ClinVar's aggregate classification.
Comment: This variant is classified as likely benign based on ACMG/AMP sequence variant interpretation guidelines (Richards et al. 2015 PMID: 25741868, with internal and published modifications).

NM_001261.4(CDK9):c.754-8C>T

Gene: CDK9 (cyclin dependent kinase 9; plus strand). Cytogenetic location: 9q34.11.
Variant type: single nucleotide variant.
Coding change: c.754-8C>T on transcript NM_001261.4 (MANE Select); 8 bases into the intron before coding-DNA position 754, C replaced by T.
Molecular consequence: intron variant.
Genome position (GRCh38, 1-based): chr9:127,789,170, C>T. VCF-style: chr9-127789170-C-T. GRCh37 (hg19) VCF-style: chr9-130551449-C-T.
Identifiers: ClinVar variation 3037641 (VCV003037641.3), dbSNP rs3217748, ClinGen allele CA5251866.